The following is an entry in ClinVar:

ClinVar aggregate classification (germline): Uncertain significance. Review status: criteria provided, single submitter (1 of 4 stars). 2 submissions from 2 submitters: Uncertain significance (1). 1 of the submissions does not count toward it. Last evaluated 2024-02-23.

Conditions:
Neuronal ceroid lipofuscinosis 1 (CLN1). Also called: CEROID LIPOFUSCINOSIS, NEURONAL, 1, VARIABLE AGE AT ONSET; PPT1-Related Neuronal Ceroid-Lipofuscinosis. Identifiers: Orphanet 228329, MedGen C1850451, MONDO:0009744, OMIM 256730.

Allele frequency attached by ClinVar (database versions not stated): gnomAD 0.00001; ExAC 0.00002; TOPMed 0.00002.
gnomAD v4.1: 10 of 1,613,924 alleles (0.00062%); highest among the groups gnomAD compares: Admixed American, 0.017%; no homozygotes.

Submissions (2):

Labcorp Genetics (formerly Invitae), Labcorp
Classification: Uncertain significance for Neuronal ceroid lipofuscinosis 1. Last evaluated: 2024-02-23. Review status: criteria provided, single submitter. Criteria: Invitae Variant Classification Sherloc (09022015). Collection method: clinical testing. Allele origin: germline.
Comment: This sequence change replaces leucine, which is neutral and non-polar, with proline, which is neutral and non-polar, at codon 24 of the PPT1 protein (p.Leu24Pro). This variant is present in population databases (rs746667989, gnomAD 0.02%). This variant has not been reported in the literature in individuals affected with PPT1-related conditions. ClinVar contains an entry for this variant (Variation ID: 533950). Advanced modeling of protein sequence and biophysical properties (such as structural, functional, and spatial information, amino acid conservation, physicochemical variation, residue mobility, and thermodynamic stability) performed at Invitae indicates that this missense variant is not expected to disrupt PPT1 protein function with a negative predictive value of 95%. In summary, the available evidence is currently insufficient to determine the role of this variant in disease. Therefore, it has been classified as a Variant of Uncertain Significance.

Natera, Inc.
Classification: Uncertain significance for Neuronal ceroid lipofuscinosis 1. Last evaluated: 2020-09-16. Review status: no assertion criteria provided. Collection method: clinical testing. Allele origin: germline. Not counted in ClinVar's aggregate classification.

NM_000310.4(PPT1):c.71T>C (p.Leu24Pro)

Gene: PPT1 (palmitoyl-protein thioesterase 1; minus strand). Cytogenetic location: 1p34.2.
Variant type: single nucleotide variant.
Coding change: c.71T>C on transcript NM_000310.4 (MANE Select); coding-DNA position 71, T replaced by C.
Protein change: p.Leu24Pro; replaces leucine 24 with proline.
Molecular consequence: missense variant.
Genome position (GRCh38, 1-based): chr1:40,097,168, A>G on the plus strand (T>C on the coding strand, the complement: PPT1 is on the minus strand). VCF-style: chr1-40097168-A-G. GRCh37 (hg19) VCF-style: chr1-40562840-A-G.
Other names: c.71T>C, p.Leu24Pro (NM_001363695.2, NM_001142604.2); short protein forms L24P.
Identifiers: ClinVar variation 533950 (VCV000533950.8), dbSNP rs746667989, ClinGen allele CA789842.